The following is an entry in ClinVar:

ClinVar aggregate classification (germline): Uncertain significance (1 of 4 stars; one submission).

Conditions:
Hereditary sensory and autonomic neuropathy type 6. Also called: HSAN VI; Neuropathy, hereditary sensory and autonomic, type VI. Identifiers: Orphanet 314381, MedGen C3539003, MONDO:0013839, OMIM 614653.
Epidermolysis bullosa simplex 3, localized or generalized intermediate, with BP230 deficiency (EBS3). Also called: Epidermolysis bullosa simplex, autosomal recessive 2; Epidermolysis bullosa simplex due to BP230 deficiency. Identifiers: Orphanet 412181, MedGen C3809470, MONDO:0014180, OMIM 615425.

Submission:

Labcorp Genetics (formerly Invitae), Labcorp
Classification: Uncertain significance for Epidermolysis bullosa simplex 3, localized or generalized intermediate, with BP230 deficiency; Hereditary sensory and autonomic neuropathy type 6. Last evaluated: 2022-09-13. Review status: criteria provided, single submitter. Criteria: Invitae Variant Classification Sherloc (09022015). Collection method: clinical testing. Allele origin: germline.
Comment: This sequence change creates a premature translational stop signal (p.Arg2610Glufs*3) in the DST gene. While this is not anticipated to result in nonsense mediated decay, it is expected to disrupt the last 40 amino acid(s) of the DST protein. This variant is not present in population databases (gnomAD no frequency). This variant has not been reported in the literature in individuals affected with DST-related conditions. ClinVar contains an entry for this variant (Variation ID: 1473693). Experimental studies and prediction algorithms are not available or were not evaluated, and the functional significance of this variant is currently unknown. In summary, the available evidence is currently insufficient to determine the role of this variant in disease. Therefore, it has been classified as a Variant of Uncertain Significance.

NM_001723.7(DST):c.7828del (p.Arg2610fs)

Gene: DST (dystonin; minus strand). Cytogenetic location: 6p12.1.
Variant type: Deletion.
Coding change: c.7828del on transcript NM_001723.7 (MANE Plus Clinical); coding-DNA position 7828, one base deleted (A; older notation c.7828delA).
Protein change: p.Arg2610fs; shifts the reading frame from arginine 2610.
Molecular consequence: frameshift variant. On other transcripts: intron variant (10).
Genome position (GRCh38, 1-based): chr6:56,615,639, T deleted on the plus strand (A on the coding strand, the reverse complement: DST is on the minus strand); the first of 5 consecutive T bases (chr6:56,615,639-56,615,643); deleting any one gives the same sequence. VCF-style (leftmost placement, unchanged base first): chr6-56615638-CT-C. GRCh37 (hg19) VCF-style: chr6-56480436-CT-C.
Other names: c.4831-1155del (NM_001144769.5); c.4930-1155del (NM_001374722.1, NM_001374736.1); c.4957-1155del (NM_001374734.1); c.4417-1155del (NM_001144770.2); c.4297-1155del (NM_001374730.1, NM_001386100.1, NM_183380.4 and 1 more transcripts); c.3319-1155del (NM_015548.5); short protein forms R2610fs.
Identifiers: ClinVar variation 1473693 (VCV001473693.3), dbSNP rs1250512631, ClinGen allele CA826159286.